The following is an entry in ClinVar:

ClinVar aggregate classification (germline): Uncertain significance (1 of 4 stars; one submission).

Conditions:
Hereditary cancer-predisposing syndrome. Also called: Tumor predisposition; Hereditary neoplastic syndrome; Hereditary Cancer Syndrome; Neoplastic Syndromes, Hereditary. Identifiers: Orphanet 140162, MedGen C0027672, MeSH D009386, MONDO:0015356.

Submission:

Ambry Genetics
Classification: Uncertain significance for Hereditary cancer-predisposing syndrome. Last evaluated: 2025-06-05. Review status: criteria provided, single submitter. Criteria: Ambry Variant Classification Scheme 2023. Collection method: clinical testing. Allele origin: germline.
Comment: The c.264_275del12insCTT variant (also known as p.E88_W92delinsDL), located in coding exon 2 of the NTHL1 gene, results from an in-frame deletion of GCCCCAGGACTG and insertion of CTT at nucleotide positions 264 to 275. This results in the substitution of the glutamic acid, proline, glutamine, aspartic acid, and tryptophan residues for aspartic acid and leucine residues at codons 88 through 92. This amino acid region is not well conserved in available vertebrate species. In addition, this alteration is predicted to be deleterious by in silico analysis (Choi Y et al. PLoS ONE. 2012; 7(10):e46688). Since supporting evidence is limited at this time, the clinical significance of this alteration remains unclear.

NM_002528.7(NTHL1):c.240_251delinsCTT (p.Glu80_Trp84delinsAspLeu)

Gene: NTHL1 (nth like DNA glycosylase 1; minus strand). Cytogenetic location: 16p13.3.
Variant type: Indel.
Coding change: c.240_251delinsCTT on transcript NM_002528.7 (MANE Select); coding-DNA positions 240 to 251, GCCCCAGGACTG replaced by CTT.
Protein change: p.Glu80_Trp84delinsAspLeu.
Molecular consequence: inframe indel. On other transcripts: intron variant (1).
Genome position (GRCh38, 1-based): chr16:2,046,231-2,046,242, CAGTCCTGGGGC replaced by AAG on the plus strand (GCCCCAGGACTG replaced by CTT on the coding strand, the reverse complement: NTHL1 is on the minus strand). VCF-style: chr16-2046231-CAGTCCTGGGGC-AAG. GRCh37 (hg19) VCF-style: chr16-2096232-CAGTCCTGGGGC-AAG.
Other names: c.240_251delinsCTT, p.Glu80_Trp84delinsAspLeu (NM_001318193.2); c.24+38_24+49delinsCTT (NM_001318194.2).
Identifiers: ClinVar variation 3222666 (VCV003222666.2), dbSNP rs2548320164, ClinGen allele CA2825002412.